The following is an entry in ClinVar:

ClinVar aggregate classification (germline): Likely benign (1 of 4 stars; one submission).

Conditions:
SEMA3B-related disorder. Also called: SEMA3B-related condition.

Submission:

PreventionGenetics, part of Exact Sciences
Classification: Likely benign for SEMA3B-related condition. Last evaluated: 2025-06-16. Review status: criteria provided, single submitter. Criteria: ACMG Guidelines, 2015. Collection method: clinical testing. Allele origin: germline.
Comment: This variant is classified as likely benign based on ACMG/AMP sequence variant interpretation guidelines (Richards et al. 2015 PMID: 25741868, with internal and published modifications).

NM_001290060.2(SEMA3B):c.1743C>T (p.Phe581=)

Gene: SEMA3B (semaphorin 3B; plus strand). Cytogenetic location: 3p21.31.
Variant type: single nucleotide variant.
Coding change: c.1743C>T on transcript NM_001290060.2 (MANE Select); coding-DNA position 1743, C replaced by T.
Protein change: p.Phe581=; no amino-acid change (phenylalanine 581 retained).
Molecular consequence: synonymous variant. On other transcripts: non-coding transcript variant (1).
Genome position (GRCh38, 1-based): chr3:50,275,742, C>T. VCF-style: chr3-50275742-C-T. GRCh37 (hg19) VCF-style: chr3-50313173-C-T.
Other names: c.1740C>T, p.Phe580= (NM_001005914.3, NM_001435957.1, NM_001435958.1); c.1758C>T, p.Phe586= (NM_001290061.1); c.714C>T, p.Phe238= (NM_001290062.2, NM_001290063.2); c.1743C>T, p.Phe581= (NM_001435956.1, NM_004636.4).
Identifiers: ClinVar variation 4997335 (VCV004997335.1).